The following is an entry in ClinVar:

ClinVar aggregate classification (germline): Uncertain significance (1 of 4 stars; one submission).

Submission:

Labcorp Genetics (formerly Invitae), Labcorp
Classification: Uncertain significance. Last evaluated: 2025-07-29. Review status: criteria provided, single submitter. Criteria: Invitae Variant Classification Sherloc (09022015). Collection method: clinical testing. Allele origin: germline.
Comment: This sequence change replaces isoleucine, which is neutral and non-polar, with threonine, which is neutral and polar, at codon 278 of the NTHL1 protein (p.Ile278Thr). This variant is not present in population databases (gnomAD no frequency). This variant has not been reported in the literature in individuals affected with NTHL1-related conditions. An algorithm developed to predict the effect of missense changes on protein structure and function (PolyPhen-2) suggests that this variant is likely to be tolerated. In summary, the available evidence is currently insufficient to determine the role of this variant in disease. Therefore, it has been classified as a Variant of Uncertain Significance.

NM_002528.7(NTHL1):c.809T>C (p.Ile270Thr)

Gene: NTHL1 (nth like DNA glycosylase 1; minus strand). Cytogenetic location: 16p13.3.
Variant type: single nucleotide variant.
Coding change: c.809T>C on transcript NM_002528.7 (MANE Select); coding-DNA position 809, T replaced by C.
Protein change: p.Ile270Thr; replaces isoleucine 270 with threonine.
Molecular consequence: missense variant.
Genome position (GRCh38, 1-based): chr16:2,040,030, A>G on the plus strand (T>C on the coding strand, the complement: NTHL1 is on the minus strand). VCF-style: chr16-2040030-A-G. GRCh37 (hg19) VCF-style: chr16-2090031-A-G.
Other names: c.638T>C, p.Ile213Thr (NM_001318193.2); c.479T>C, p.Ile160Thr (NM_001318194.2); short protein forms I213T, I160T, I270T.
Identifiers: ClinVar variation 4724208 (VCV004724208.1).
Genomic context (GRCh38, chr16:2,040,030, plus strand): 5'-TGGCAGCGAGGGTGCACAGGCAGACAGGTCTGCTGGCCGAAGCCCACCAAGAGTCCATTG[A>G]TCTCGTGCCACAGCTCCCTGTGGGGGTGGGGGCTGGGTCAGTGCTGACAGAGGGCGGGCG-3'
Protein context (NP_002519.2, residues 260-280): EWLPRELWHE[Ile270Thr]NGLLVGFGQQ